The following is an entry in ClinVar:

NM_000261.2(MYOC):c.757G>A (p.Glu253Lys)

Gene: MYOC (myocilin; minus strand). Cytogenetic location: 1q24.3.
Variant type: single nucleotide variant.
Coding change: c.757G>A on transcript NM_000261.2 (MANE Select); coding-DNA position 757, G replaced by A.
Protein change: p.Glu253Lys; replaces glutamic acid 253 with lysine.
Molecular consequence: missense variant.
Genome position (GRCh38, 1-based): chr1:171,636,683, C>T on the plus strand (G>A on the coding strand, the complement: MYOC is on the minus strand). VCF-style: chr1-171636683-C-T. GRCh37 (hg19) VCF-style: chr1-171605823-C-T.
Other names: NM_000261.2:c.757G>A; short protein forms E253K.
Identifiers: ClinVar variation 2442286 (VCV002442286.2), dbSNP rs1176798762, ClinGen allele CA343726256.

ClinVar aggregate classification (germline): Uncertain significance (3 of 4 stars; one submission).

Conditions:
Open-angle glaucoma. Identifiers: MedGen C0017612, MONDO:0005338, HP:0012108.

Submission:

ClinGen Glaucoma Variant Curation Expert Panel
Classification: Uncertain significance for Open-angle glaucoma. Last evaluated: 2025-10-08. Review status: reviewed by expert panel. Criteria: ClinGen Glaucoma ACMG Specifications V2.0.0 Approved. Collection method: curation. Allele origin: germline. Inheritance: Autosomal dominant inheritance.
Comment: The c.757G>A variant in MYOC is a missense variant predicted to cause substitution of Glutamic Acid by Lysine at amino acid 253 (p.Glu253Lys). This variant was not found in any genetic ancestry group of gnomAD (v4.1.0), meeting the ≤ 0.0001 threshold set for PM2_Supporting in a genetic ancestry group of at least 10,000 alleles. The REVEL score = 0.31, which was neither above nor below the thresholds for PP3 (≥ 0.644) or BP4 (≤ 0.290), predicting a damaging or benign impact on MYOC function. There was no functional evidence predicting a damaging or benign impact of this variant on MYOC function. Only 1 proband with primary open angle glaucoma had been reported (PMID: 33793440), not meeting the ≥ 2 probands threshold required to meet PS4_Supporting. In summary, this variant met the criteria to receive a score of 1 and to be classified as a variant of uncertain significance (uncertain significance classification range -1 to 5, adapted from PMID: 32720330) for primary open angle glaucoma based on the ACMG/AMP criteria met, as specified by the ClinGen Glaucoma VCEP (v2.0.0, 5 Dec 2024): PM2_Supporting.